The following is an entry in ClinVar:

NM_002230.4(JUP):c.2031G>A (p.Pro677=)

Gene: JUP (junction plakoglobin; minus strand). Cytogenetic location: 17q21.2.
Variant type: single nucleotide variant.
Coding change: c.2031G>A on transcript NM_002230.4 (MANE Select); coding-DNA position 2031, G replaced by A.
Protein change: p.Pro677=; no amino-acid change (proline 677 retained).
Molecular consequence: synonymous variant.
Genome position (GRCh38, 1-based): chr17:41,757,430, C>T on the plus strand (G>A on the coding strand, the complement: JUP is on the minus strand). VCF-style: chr17-41757430-C-T. GRCh37 (hg19) VCF-style: chr17-39913682-C-T.
Other names: p.P677P:CCG>CCA; c.2031G>A, p.Pro677= (NM_001352773.2, NM_001352774.2, NM_001352775.2 and 3 more transcripts); c.2031G>A (NM_002230.3).
Identifiers: ClinVar variation 137961 (VCV000137961.64), dbSNP rs188888662, ClinGen allele CA291690.
Genomic context (GRCh38, chr17:41,757,430, plus strand): 5'-CCAACTTGCACAACCAACTACTGTGGTCCAACCTAGGATACTCACAGCCTCCCAGGCAGC[C>T]GGGTCATGCTTGAAGAGGGAGTTGGTGAGCTCCACGGACACGCGCTTCCGGTAGTCTGGG-3'
Protein context (NP_002221.1, residues 667-687): ELTNSLFKHD[Pro677=]AAWEAAQSMI

ClinVar aggregate classification (germline): Conflicting classifications of pathogenicity. Review status: criteria provided, conflicting classifications (1 of 4 stars). 15 submissions from 14 submitters: Uncertain significance (2); Benign (3); Likely benign (6). 4 of the submissions do not count toward it. Last evaluated 2026-02-03.

Conditions:
JUP-related disorder. Also called: JUP-related condition.
Cardiovascular phenotype. Identifiers: MedGen CN230736.
Naxos disease (NXD). Also called: CARDIOMYOPATHY, ARRHYTHMOGENIC RIGHT VENTRICULAR, WITH SKIN, HAIR, AND NAIL ABNORMALITIES; PALMOPLANTAR KERATODERMA WITH ARRHYTHMOGENIC RIGHT VENTRICULAR CARDIOMYOPATHY AND WOOLLY HAIR; WOOLLY HAIR, PALMOPLANTAR KERATODERMA, AND CARDIAC ABNORMALITIES; KERATOSIS PALMOPLANTARIS WITH ARRHYTHMOGENIC CARDIOMYOPATHY; MAL DE NAXOS. Identifiers: Orphanet 34217, MedGen C1832600, MONDO:0011017, OMIM 601214.
Arrhythmogenic right ventricular dysplasia 12. Also called: ARRHYTHMOGENIC RIGHT VENTRICULAR DYSPLASIA, FAMILIAL, 12. Identifiers: MedGen C1969081, MONDO:0012684, OMIM 611528.
Cardiomyopathy (CMYO). Also called: Cardiomyopathies. Identifiers: Orphanet 167848, MedGen C0878544, MONDO:0004994, HP:0001638. Inheritance: Various modes of inheritance.

Allele frequency attached by ClinVar (database versions not stated): gnomAD 0.00018 and 0.00020; 1000 Genomes Project 0.00020; TOPMed 0.00020; gnomAD exomes 0.00021; ExAC 0.00028; 1000 Genomes Project 30x 0.00031; ESP Exome Variant Server 0.00031.

Submissions (15):

Labcorp Genetics (formerly Invitae), Labcorp
Classification: Likely benign for Arrhythmogenic right ventricular dysplasia 12; Naxos disease. Last evaluated: 2026-02-03. Review status: criteria provided, single submitter. Criteria: Invitae Variant Classification Sherloc (09022015). Collection method: clinical testing. Allele origin: germline.

CeGaT Center for Human Genetics Tuebingen
Classification: Likely benign. Last evaluated: 2025-06-01. Review status: criteria provided, single submitter. Criteria: CeGaT Center For Human Genetics Tuebingen Variant Classification Criteria Version 2. Collection method: clinical testing. Allele origin: germline. Affected: yes. Observed: 2 variant alleles.
Comment: JUP: BP4, BP7

Molecular Diagnostic Laboratory for Inherited Cardiovascular Disease, Montreal Heart Institute
Classification: Benign. Last evaluated: 2025-04-09. Review status: criteria provided, single submitter. Criteria: ACMG Guidelines, 2015. Collection method: clinical testing. Allele origin: germline. Affected: no.

Blueprint Genetics
Classification: Likely benign. Last evaluated: 2024-11-22. Review status: criteria provided, single submitter. Criteria: ACMG Guidelines, 2015. Collection method: clinical testing. Allele origin: germline.

CHEO Genetics Diagnostic Laboratory, Children's Hospital of Eastern Ontario
Classification: Likely benign for Cardiomyopathy. Last evaluated: 2019-02-12. Review status: criteria provided, single submitter. Criteria: ACMG Guidelines, 2015. Collection method: clinical testing. Allele origin: germline.

Women's Health and Genetics/Laboratory Corporation of America, LabCorp
Classification: Benign. Last evaluated: 2019-01-21. Review status: criteria provided, single submitter. Criteria: LabCorp Variant Classification Summary - May 2015. Collection method: clinical testing. Allele origin: germline.
Comment: Variant summary: JUP c.2031G>A alters a non-conserved nucleotide resulting in a synonymous change. 5/5 computational tools predict no significant impact on normal splicing. However, these predictions have yet to be confirmed by functional studies. The variant allele was found at a frequency of 0.00023 in 277244 control chromosomes (gnomAD). The observed variant frequency is approximately 23-folds higher than the estimated maximal expected allele frequency for a pathogenic variant in JUP causing Arrhythmia phenotype (1e-05), strongly suggesting that the variant is benign. To our knowledge, no occurrence of c.2031G>A in individuals affected with Arrhythmia and no experimental evidence demonstrating its impact on protein function have been reported. Three ClinVar submissions from clinical diagnostic laboratories (evaluation after 2014) cite the variant as likely benign. Based on the evidence outlined above, the variant was classified as benign.

Illumina Laboratory Services, Illumina
Classification: Uncertain significance for Naxos disease. Last evaluated: 2018-01-13. Review status: criteria provided, single submitter. Criteria: ICSL Variant Classification Criteria 13 December 2019. Collection method: clinical testing. Allele origin: germline.

Illumina Laboratory Services, Illumina
Classification: Uncertain significance for Arrhythmogenic right ventricular dysplasia 12. Last evaluated: 2018-01-13. Review status: criteria provided, single submitter. Criteria: ICSL Variant Classification Criteria 13 December 2019. Collection method: clinical testing. Allele origin: germline.

Ambry Genetics
Classification: Likely benign for Cardiovascular phenotype. Last evaluated: 2016-06-29. Review status: criteria provided, single submitter. Criteria: Ambry Variant Classification Scheme 2023. Collection method: clinical testing. Allele origin: germline.

Laboratory for Molecular Medicine, Mass General Brigham Personalized Medicine
Classification: Likely benign. Last evaluated: 2015-07-30. Review status: criteria provided, single submitter. Criteria: LMM Criteria. Collection method: clinical testing. Allele origin: germline. Observed: 2 variant alleles.
Comment: p.Pro677Pro in Exon12 of JUP: This variant is not expected to have clinical sign ificance because it does not alter an amino acid residue and is not located with in the splice consensus sequence. It has been identified in 31/66738 of European chromosomes by the Exome Aggregation Consortium (ExAC; dbSNP rs188888662).

GeneDx
Classification: Benign. Last evaluated: 2014-03-07. Review status: criteria provided, single submitter. Criteria: GeneDx Variant Classification (06012015). Collection method: clinical testing. Allele origin: germline. Affected: yes.
Comment: This variant is considered likely benign or benign based on one or more of the following criteria: it is a conservative change, it occurs at a poorly conserved position in the protein, it is predicted to be benign by multiple in silico algorithms, and/or has population frequency not consistent with disease.

PreventionGenetics, part of Exact Sciences
Classification: Likely benign for JUP-related condition. Last evaluated: 2024-03-13. Review status: no assertion criteria provided. Collection method: clinical testing. Allele origin: germline. Not counted in ClinVar's aggregate classification.
Comment: This variant is classified as likely benign based on ACMG/AMP sequence variant interpretation guidelines (Richards et al. 2015 PMID: 25741868, with internal and published modifications).

Clinical Genetics DNA and cytogenetics Diagnostics Lab, Erasmus MC, Erasmus Medical Center
Classification: Likely benign. Review status: no assertion criteria provided. Collection method: clinical testing. Allele origin: germline. Affected: yes. Study: VKGL Data-share Consensus. Not counted in ClinVar's aggregate classification.

Clinical Genetics, Academic Medical Center
Classification: Benign. Review status: no assertion criteria provided. Collection method: clinical testing. Allele origin: germline. Affected: yes. Study: VKGL Data-share Consensus. Not counted in ClinVar's aggregate classification.

Joint Genome Diagnostic Labs from Nijmegen and Maastricht, Radboudumc and MUMC+
Classification: Likely benign. Review status: no assertion criteria provided. Collection method: clinical testing. Allele origin: germline. Affected: yes. Study: VKGL Data-share Consensus. Not counted in ClinVar's aggregate classification.